The following is an entry in ClinVar:

NM_173685.4(NSMCE2):c.609G>T (p.Lys203Asn)

Gene: NSMCE2 (NSE2 (MMS21) homolog, SMC5-SMC6 complex SUMO ligase; plus strand). Cytogenetic location: 8q24.13.
Variant type: single nucleotide variant.
Coding change: c.609G>T on transcript NM_173685.4 (MANE Select); coding-DNA position 609, G replaced by T.
Protein change: p.Lys203Asn; replaces lysine 203 with asparagine.
Molecular consequence: missense variant. On other transcripts: non-coding transcript variant (1).
Genome position (GRCh38, 1-based): chr8:125,357,801, G>T. VCF-style: chr8-125357801-G-T. GRCh37 (hg19) VCF-style: chr8-126370043-G-T.
Other names: c.609G>T, p.Lys203Asn (NM_001349485.2, NM_001349486.2); c.609G>T (NM_173685.2); short protein forms K203N.
Identifiers: ClinVar variation 1394988 (VCV001394988.5), dbSNP rs2131369327, ClinGen allele CA372271108.

ClinVar aggregate classification (germline): Uncertain significance. Review status: criteria provided, multiple submitters, no conflicts (2 of 4 stars). 2 submissions from 2 submitters: Uncertain significance (2). Last evaluated 2023-08-04.

Submissions (2):

Ambry Genetics
Classification: Uncertain significance. Last evaluated: 2023-08-04. Review status: criteria provided, single submitter. Criteria: Ambry Variant Classification Scheme 2023. Collection method: clinical testing. Allele origin: germline.

Labcorp Genetics (formerly Invitae), Labcorp
Classification: Uncertain significance. Last evaluated: 2022-07-12. Review status: criteria provided, single submitter. Criteria: Invitae Variant Classification Sherloc (09022015). Collection method: clinical testing. Allele origin: germline.
Comment: In summary, the available evidence is currently insufficient to determine the role of this variant in disease. Therefore, it has been classified as a Variant of Uncertain Significance. Algorithms developed to predict the effect of missense changes on protein structure and function are either unavailable or do not agree on the potential impact of this missense change (SIFT: "Deleterious"; PolyPhen-2: "Benign"; Align-GVGD: "Class C0"). ClinVar contains an entry for this variant (Variation ID: 1394988). This variant has not been reported in the literature in individuals affected with NSMCE2-related conditions. This variant is not present in population databases (gnomAD no frequency). This sequence change replaces lysine, which is basic and polar, with asparagine, which is neutral and polar, at codon 203 of the NSMCE2 protein (p.Lys203Asn).